The following is an entry in ClinVar:

NM_004519.4(KCNQ3):c.878G>T (p.Gly293Val)

Gene: KCNQ3 (potassium voltage-gated channel subfamily Q member 3; minus strand). Cytogenetic location: 8q24.22.
Variant type: single nucleotide variant.
Coding change: c.878G>T on transcript NM_004519.4 (MANE Select); coding-DNA position 878, G replaced by T.
Protein change: p.Gly293Val; replaces glycine 293 with valine.
Molecular consequence: missense variant.
Genome position (GRCh38, 1-based): chr8:132,175,508, C>A on the plus strand (G>T on the coding strand, the complement: KCNQ3 is on the minus strand). VCF-style: chr8-132175508-C-A. GRCh37 (hg19) VCF-style: chr8-133187755-C-A.
Other names: c.518G>T, p.Gly173Val (NM_001204824.2); short protein forms G173V, G293V.
Identifiers: ClinVar variation 967531 (VCV000967531.11), dbSNP rs1064795142, ClinGen allele CA372290415.

ClinVar aggregate classification (germline): Uncertain significance. Review status: criteria provided, multiple submitters, no conflicts (2 of 4 stars). 3 submissions from 3 submitters: Uncertain significance (3). Last evaluated 2025-08-19.

Conditions:
Seizures, benign familial neonatal, 2. Also called: Benign Neonatal Epilepsy 2; CONVULSIONS, BENIGN FAMILIAL NEONATAL, 2; Seizures, benign neonatal, 2; KCNQ3-Related Benign Familial Neonatal Epilepsy; KCNQ3-Related Self-Limited Familial Neonatal Epilepsy (SLFNE). Identifiers: Orphanet 1949, MedGen C1852581, MONDO:0007366, OMIM 121201.
Benign neonatal seizures. Also called: Benign familial neonatal seizures; Benign neonatal familial convulsions; Convulsions benign familial neonatal dominant form; Autosomal dominant form of benign neonatal seizures; Benign familial neonatal epilepsy. Identifiers: Orphanet 1949, MedGen C0220669, MONDO:0016027.

gnomAD v4.1: 3 of 1,614,196 alleles (0.00019%); highest among the groups gnomAD compares: Non-Finnish European, 0.00025%; no homozygotes.

Submissions (3):

3billion
Classification: Uncertain significance for Seizures, benign familial neonatal, 2. Last evaluated: 2025-08-19. Review status: criteria provided, single submitter. Criteria: ACMG Guidelines, 2015. Collection method: clinical testing. Allele origin: germline. Affected: yes.
Comment: The variant is observed at an extremely low frequency in the gnomAD v4.1.0 dataset (total allele frequency: <0.001%). Predicted Consequence/Location: Missense variant In silico tool predictions suggest damaging effect of the variant on gene or gene product [REVEL: 0.70 (>=0.6, sensitivity 0.68 and specificity 0.92); 3Cnet: 0.98 (> 0.75, sensitivity 0.96 and precision 0.92)]. A different missense change at the same codon (p.Gly293Glu) has been reported to be associated with KCNQ3-related disorder (ClinVar ID: VCV000421443). However the evidence of pathogenicity is insufficient at this time. Therefore, this variant is classified as VUS according to the recommendation of ACMG/AMP guideline.

Labcorp Genetics (formerly Invitae), Labcorp
Classification: Uncertain significance for Benign neonatal seizures. Last evaluated: 2025-05-27. Review status: criteria provided, single submitter. Criteria: Invitae Variant Classification Sherloc (09022015). Collection method: clinical testing. Allele origin: germline.
Comment: This sequence change replaces glycine, which is neutral and non-polar, with valine, which is neutral and non-polar, at codon 293 of the KCNQ3 protein (p.Gly293Val). This variant is not present in population databases (gnomAD no frequency). This variant has not been reported in the literature in individuals affected with KCNQ3-related conditions. ClinVar contains an entry for this variant (Variation ID: 967531). Invitae Evidence Modeling of protein sequence and biophysical properties (such as structural, functional, and spatial information, amino acid conservation, physicochemical variation, residue mobility, and thermodynamic stability) indicates that this missense variant is expected to disrupt KCNQ3 protein function with a positive predictive value of 95%. In summary, the available evidence is currently insufficient to determine the role of this variant in disease. Therefore, it has been classified as a Variant of Uncertain Significance.

GeneDx
Classification: Uncertain significance. Last evaluated: 2023-11-15. Review status: criteria provided, single submitter. Criteria: GeneDx Variant Classification Process June 2021. Collection method: clinical testing. Allele origin: germline. Affected: yes.
Comment: Not observed at significant frequency in large population cohorts (gnomAD); In silico analysis supports that this missense variant does not alter protein structure/function; Has not been previously published as pathogenic or benign to our knowledge